The following is an entry in ClinVar:

NM_001080477.4(TENM3):c.1780A>G (p.Ile594Val)

Gene: TENM3 (teneurin transmembrane protein 3; plus strand). Cytogenetic location: 4q35.1.
Variant type: single nucleotide variant.
Coding change: c.1780A>G on transcript NM_001080477.4 (MANE Select); coding-DNA position 1780, A replaced by G.
Protein change: p.Ile594Val; replaces isoleucine 594 with valine.
Molecular consequence: missense variant.
Genome position (GRCh38, 1-based): chr4:182,680,683, A>G. VCF-style: chr4-182680683-A-G. GRCh37 (hg19) VCF-style: chr4-183601836-A-G.
Other names: c.964A>G, p.Ile322Val (NM_001415960.1, NM_001415961.1, NM_001415962.1 and 2 more transcripts); c.1501A>G, p.Ile501Val (NM_001415966.1, NM_001415967.1, NM_001415976.1 and 1 more transcripts); c.1780A>G, p.Ile594Val (NM_001415968.1, NM_001415969.1, NM_001415970.1 and 4 more transcripts); c.1780A>G (NM_001080477.1); short protein forms I322V, I501V, I594V.
Identifiers: ClinVar variation 2415759 (VCV002415759.7), dbSNP rs369956857, ClinGen allele CA3147800.

ClinVar aggregate classification (germline): Uncertain significance. Review status: criteria provided, multiple submitters, no conflicts (2 of 4 stars). 2 submissions from 2 submitters: Uncertain significance (2). Last evaluated 2023-11-21.

Conditions:
Inborn genetic diseases. Identifiers: MedGen C0950123, MeSH D030342.

Allele frequency attached by ClinVar (database versions not stated): gnomAD 0.00002; TOPMed 0.00003; ExAC 0.00006; gnomAD exomes 0.00006; ESP Exome Variant Server 0.00008.
gnomAD v4.1: 84 of 1,602,288 alleles (0.0052%); highest among the groups gnomAD compares: Non-Finnish European, 0.0071%; no homozygotes.

Submissions (2):

Ambry Genetics
Classification: Uncertain significance for Inborn genetic diseases. Last evaluated: 2023-11-21. Review status: criteria provided, single submitter. Criteria: Ambry Variant Classification Scheme 2023. Collection method: clinical testing. Allele origin: germline.

Labcorp Genetics (formerly Invitae), Labcorp
Classification: Uncertain significance. Last evaluated: 2022-05-30. Review status: criteria provided, single submitter. Criteria: Invitae Variant Classification Sherloc (09022015). Collection method: clinical testing. Allele origin: germline.
Comment: This sequence change replaces isoleucine, which is neutral and non-polar, with valine, which is neutral and non-polar, at codon 594 of the TENM3 protein (p.Ile594Val). This variant is present in population databases (rs369956857, gnomAD 0.01%). This variant has not been reported in the literature in individuals affected with TENM3-related conditions. Algorithms developed to predict the effect of missense changes on protein structure and function (SIFT, PolyPhen-2, Align-GVGD) all suggest that this variant is likely to be tolerated. In summary, the available evidence is currently insufficient to determine the role of this variant in disease. Therefore, it has been classified as a Variant of Uncertain Significance.